The following is an entry in ClinVar:

NM_001199397.3(NEK1):c.3710T>C (p.Ile1237Thr)

Gene: NEK1 (NIMA related kinase 1; minus strand). Cytogenetic location: 4q33.
Variant type: single nucleotide variant.
Coding change: c.3710T>C on transcript NM_001199397.3 (MANE Select); coding-DNA position 3710, T replaced by C.
Protein change: p.Ile1237Thr; replaces isoleucine 1237 with threonine.
Molecular consequence: missense variant. On other transcripts: non-coding transcript variant (1).
Genome position (GRCh38, 1-based): chr4:169,400,525, A>G on the plus strand (T>C on the coding strand, the complement: NEK1 is on the minus strand). VCF-style: chr4-169400525-A-G. GRCh37 (hg19) VCF-style: chr4-170321676-A-G.
Other names: c.3578T>C, p.Ile1193Thr (NM_001199398.3); c.3419T>C, p.Ile1140Thr (NM_001199399.3); c.3494T>C, p.Ile1165Thr (NM_001199400.3); c.3710T>C, p.Ile1237Thr (NM_001374418.1); c.3626T>C, p.Ile1209Thr (NM_001374419.1, NM_012224.4); c.3575T>C, p.Ile1192Thr (NM_001374420.1); c.3227T>C, p.Ile1076Thr (NM_001374421.1); short protein forms I1140T, I1192T, I1076T, I1165T, I1209T, I1237T, I1193T.
Identifiers: ClinVar variation 1973120 (VCV001973120.5), dbSNP rs1439154540, ClinGen allele CA358799952.
Genomic context (GRCh38, chr4:169,400,525, plus strand): 5'-TTCTTCAACCTTCAAACATAGCACATTTTAAGTGTTTTAATTGACTTTTCACTTACCTTT[A>G]TTTTCTCATAAACCTCAAAGAATTTTTCAAAGCCCATTTCCTGCTCCAGATGAAGTCTCA-3'
Protein context (NP_001186326.1, residues 1227-1247): FEKFFEVYEK[Ile1237Thr]KAIHEDEDEN

ClinVar aggregate classification (germline): Uncertain significance (1 of 4 stars; one submission).

Conditions:
Short-rib thoracic dysplasia 6 with or without polydactyly (SRTD6). Also called: Majewski Syndrome; POLYDACTYLY WITH NEONATAL CHONDRODYSTROPHY, TYPE II; SHORT RIB-POLYDACTYLY SYNDROME, TYPE IIA; SHORT-RIB THORACIC DYSPLASIA 6 WITH POLYDACTYLY; SHORT-RIB THORACIC DYSPLASIA 6 WITHOUT POLYDACTYLY. Identifiers: MedGen C0024507, MONDO:0009894, OMIM 263520.

Submission:

Labcorp Genetics (formerly Invitae), Labcorp
Classification: Uncertain significance for Short-rib thoracic dysplasia 6 with or without polydactyly. Last evaluated: 2022-08-05. Review status: criteria provided, single submitter. Criteria: Invitae Variant Classification Sherloc (09022015). Collection method: clinical testing. Allele origin: germline.
Comment: This variant has not been reported in the literature in individuals affected with NEK1-related conditions. In summary, the available evidence is currently insufficient to determine the role of this variant in disease. Therefore, it has been classified as a Variant of Uncertain Significance. Advanced modeling of protein sequence and biophysical properties (such as structural, functional, and spatial information, amino acid conservation, physicochemical variation, residue mobility, and thermodynamic stability) performed at Invitae indicates that this missense variant is not expected to disrupt NEK1 protein function. This variant is not present in population databases (gnomAD no frequency). This sequence change replaces isoleucine, which is neutral and non-polar, with threonine, which is neutral and polar, at codon 1209 of the NEK1 protein (p.Ile1209Thr).